The following is an entry in ClinVar:

NM_001386795.1(DTNA):c.877-239G>T

Gene: DTNA (dystrobrevin alpha; plus strand). Cytogenetic location: 18q12.1.
Variant type: single nucleotide variant.
Coding change: c.877-239G>T on transcript NM_001386795.1 (MANE Select); 239 bases into the intron before coding-DNA position 877, G replaced by T.
Molecular consequence: intron variant.
Genome position (GRCh38, 1-based): chr18:34,820,552, G>T. VCF-style: chr18-34820552-G-T. GRCh37 (hg19) VCF-style: chr18-32400516-G-T.
Other names: c.877-239G>T (NM_032975.4, NM_001386761.1, NM_001386762.1 and 34 more transcripts); c.603+8439G>T (NM_001198945.2); c.127-239G>T (NM_001198943.1); c.-78-239G>T (NM_001198942.1, NM_001198944.1, NM_032980.4 and 1 more transcripts).
Identifiers: ClinVar variation 678483 (VCV000678483.1), dbSNP rs1786597, ClinGen allele CA14547620.

ClinVar aggregate classification (germline): Benign (1 of 4 stars; one submission).

Allele frequency attached by ClinVar (database versions not stated): 1000 Genomes Project 0.21226; 1000 Genomes Project 30x 0.21596; TOPMed 0.24728; gnomAD 0.25583.
gnomAD v4.1: 38,661 of 152,054 alleles (25%); highest among the groups gnomAD compares: African/African-American, 29%; 5,072 homozygotes.

Submission:

GeneDx
Classification: Benign. Last evaluated: 2018-06-15. Review status: criteria provided, single submitter. Criteria: GeneDx Variant Classification (06012015). Collection method: clinical testing. Allele origin: germline. Affected: yes.
Comment: This variant is considered likely benign or benign based on one or more of the following criteria: it is a conservative change, it occurs at a poorly conserved position in the protein, it is predicted to be benign by multiple in silico algorithms, and/or has population frequency not consistent with disease.